The following is an entry in ClinVar:

ClinVar aggregate classification (germline): Likely benign. Review status: criteria provided, multiple submitters, no conflicts (2 of 4 stars). 4 submissions from 4 submitters: Likely benign (4). Last evaluated 2025-10-26.

Conditions:
USH1C-related disorder. Also called: USH1C-related condition.

Allele frequency attached by ClinVar (database versions not stated): ExAC 0.00002; gnomAD exomes 0.00002; TOPMed 0.00010; ESP Exome Variant Server 0.00023.
gnomAD v4.1: 74 of 1,614,008 alleles (0.0046%); highest among the groups gnomAD compares: Non-Finnish European, 0.0061%; no homozygotes.

Submissions (4):

Labcorp Genetics (formerly Invitae), Labcorp
Classification: Likely benign. Last evaluated: 2025-10-26. Review status: criteria provided, single submitter. Criteria: Invitae Variant Classification Sherloc (09022015). Collection method: clinical testing. Allele origin: germline.

PreventionGenetics, part of Exact Sciences
Classification: Likely benign for USH1C-related condition. Last evaluated: 2025-01-05. Review status: criteria provided, single submitter. Criteria: ACMG Guidelines, 2015. Collection method: clinical testing. Allele origin: germline.
Comment: This variant is classified as likely benign based on ACMG/AMP sequence variant interpretation guidelines (Richards et al. 2015 PMID: 25741868, with internal and published modifications).

Blueprint Genetics
Classification: Likely benign. Last evaluated: 2024-04-09. Review status: criteria provided, single submitter. Criteria: ACMG Guidelines, 2015. Collection method: clinical testing. Allele origin: germline.

Laboratory for Molecular Medicine, Mass General Brigham Personalized Medicine
Classification: Likely benign. Last evaluated: 2012-04-30. Review status: criteria provided, single submitter. Criteria: LMM Criteria. Collection method: clinical testing. Allele origin: germline. Observed: 1 variant allele.
Comment: 760-4C>T in Intron 09 of USH1C: This variant is not expected to have clinical si gnificance because it is not located within the conserved splice consensus seque nce and has been identified in 2/7020 European American chromosomes from a broad population by the NHLBI Exome Sequencing Project (EVS).

NM_153676.4(USH1C):c.760-4C>T

Gene: USH1C (USH1 protein network component harmonin; minus strand). Cytogenetic location: 11p15.1.
Variant type: single nucleotide variant.
Coding change: c.760-4C>T on transcript NM_153676.4 (MANE Select); 4 bases into the intron before coding-DNA position 760, C replaced by T.
Molecular consequence: intron variant.
Genome position (GRCh38, 1-based): chr11:17,523,482, G>A on the plus strand (C>T on the coding strand, the complement: USH1C is on the minus strand). VCF-style: chr11-17523482-G-A. GRCh37 (hg19) VCF-style: chr11-17545029-G-A.
Other names: c.760-4C>T (NM_001297764.2, NM_005709.4).
Identifiers: ClinVar variation 48024 (VCV000048024.17), dbSNP rs374167444, ClinGen allele CA142401.
Genomic context (GRCh38, chr11:17,523,482, plus strand): 5'-CTTGTGATCCAGGTTAGAGAAGTCGACGCCATTGACTTCGACAATCTGGTCCCCTATCTG[G>A]TGGGGAAATGGAGAAAGATTAGTGTGTTTGCGCTATCTGTACACTCGCTCATCTGCAGGA-3'